The following is an entry in ClinVar:

ClinVar aggregate classification (germline): Uncertain significance (1 of 4 stars; one submission).

Submission:

Labcorp Genetics (formerly Invitae), Labcorp
Classification: Uncertain significance. Last evaluated: 2020-03-10. Review status: criteria provided, single submitter. Criteria: Invitae Variant Classification Sherloc (09022015). Collection method: clinical testing. Allele origin: germline.
Comment: This variant, c.232_237del, results in the deletion of 2 amino acid(s) of the ATOH7 protein (p.Lys78_Tyr79del), but otherwise preserves the integrity of the reading frame. In summary, the available evidence is currently insufficient to determine the role of this variant in disease. Therefore, it has been classified as a Variant of Uncertain Significance. Experimental studies and prediction algorithms are not available or were not evaluated, and the functional significance of this variant is currently unknown. This variant has not been reported in the literature in individuals with ATOH7-related conditions. This variant is not present in population databases (ExAC no frequency).

NM_145178.4(ATOH7):c.232_237del (p.Lys78_Tyr79del)

Gene: ATOH7 (atonal bHLH transcription factor 7; minus strand). Cytogenetic location: 10q21.3.
Variant type: Deletion.
Coding change: c.232_237del on transcript NM_145178.4 (MANE Select); coding-DNA positions 232 to 237, 6 bases deleted (AAGTAC; older notation c.232_237delAAGTAC).
Protein change: p.Lys78_Tyr79del.
Molecular consequence: inframe deletion.
Genome position (GRCh38, 1-based): chr10:68,231,441-68,231,446, GTACTT deleted on the plus strand (AAGTAC on the coding strand, the reverse complement: ATOH7 is on the minus strand); deleting any 6 consecutive bases within chr10:68,231,441-68,231,447 gives the same sequence; the c. name uses the placement nearest the transcript's 3' end. VCF-style (leftmost placement, unchanged base first): chr10-68231440-CGTACTT-C. GRCh37 (hg19) VCF-style: chr10-69991197-CGTACTT-C.
Identifiers: ClinVar variation 1062921 (VCV001062921.9), dbSNP rs1385959537, ClinGen allele CA667812673.